The following is an entry in ClinVar:

ClinVar aggregate classification (germline): Conflicting classifications of pathogenicity. Review status: criteria provided, conflicting classifications (1 of 4 stars). 4 submissions from 4 submitters: Uncertain significance (2); Likely benign (2). Last evaluated 2026-02-06.

Conditions:
DOCK2-related disorder. Also called: DOCK2-related condition.
DOCK2 deficiency. Also called: Immunodeficiency 40. Identifiers: Orphanet 447737, MedGen C4225328, MONDO:0014637, OMIM 616433.
Inborn genetic diseases. Identifiers: MedGen C0950123, MeSH D030342.

Allele frequency attached by ClinVar (database versions not stated): gnomAD exomes 0.00008 and 0.00027; ExAC 0.00030; ESP Exome Variant Server 0.00077; gnomAD 0.00101 and 0.00110; 1000 Genomes Project 0.00120; TOPMed 0.00132; 1000 Genomes Project 30x 0.00156.
gnomAD v4.1: 284 of 1,613,900 alleles (0.018%); highest among the groups gnomAD compares: African/African-American, 0.35%; no homozygotes.

Submissions (4):

Women's Health and Genetics/Laboratory Corporation of America, LabCorp
Classification: Likely benign. Last evaluated: 2026-02-06. Review status: criteria provided, single submitter. Criteria: LabCorp Variant Classification Summary - May 2015. Collection method: clinical testing. Allele origin: germline.
Comment: Variant summary: DOCK2 c.5425A>G (p.Thr1809Ala) results in a non-conservative amino acid change in the encoded protein sequence. Algorithms developed to predict the effect of missense changes on protein structure and function are either unavailable or do not agree on the potential impact of this missense change. The variant allele was found at a frequency of 0.00027 in 250796 control chromosomes, predominantly at a frequency of 0.004 within the African or African-American subpopulation in the gnomAD database. The observed variant frequency within African or African-American control individuals in the gnomAD database exceeds the estimated maximal expected allele frequency for disease-causing variants in DOCK2. To our knowledge, no occurrence of c.5425A>G in individuals affected with DOCK2-related conditions and no experimental evidence demonstrating its impact on protein function have been reported. ClinVar contains an entry for this variant (Variation ID: 542639). Based on the evidence outlined above, the variant was classified as likely benign.

Labcorp Genetics (formerly Invitae), Labcorp
Classification: Likely benign for DOCK2 deficiency. Last evaluated: 2025-12-16. Review status: criteria provided, single submitter. Criteria: Invitae Variant Classification Sherloc (09022015). Collection method: clinical testing. Allele origin: germline.

Ambry Genetics
Classification: Uncertain significance for Inborn genetic diseases. Last evaluated: 2025-08-24. Review status: criteria provided, single submitter. Criteria: Ambry Variant Classification Scheme 2023. Collection method: clinical testing. Allele origin: germline.

PreventionGenetics, part of Exact Sciences
Classification: Uncertain significance for DOCK2-related condition. Last evaluated: 2023-06-16. Review status: criteria provided, single submitter. Criteria: ACMG Guidelines, 2015. Collection method: clinical testing. Allele origin: germline.
Comment: The DOCK2 c.5425A>G variant is predicted to result in the amino acid substitution p.Thr1809Ala. To our knowledge, this variant has not been reported in the literature. This variant is reported in 0.38% of alleles in individuals of African descent in gnomAD. Although we suspect that this variant may be benign, at this time, the clinical significance of this variant is uncertain due to the absence of conclusive functional and genetic evidence.

NM_004946.3(DOCK2):c.5425A>G (p.Thr1809Ala)

Gene: DOCK2 (dedicator of cytokinesis 2; plus strand). Cytogenetic location: 5q35.1.
Variant type: single nucleotide variant.
Coding change: c.5425A>G on transcript NM_004946.3 (MANE Select); coding-DNA position 5425, A replaced by G.
Protein change: p.Thr1809Ala; replaces threonine 1809 with alanine.
Molecular consequence: missense variant. On other transcripts: non-coding transcript variant (1).
Genome position (GRCh38, 1-based): chr5:170,081,979, A>G. VCF-style: chr5-170081979-A-G. GRCh37 (hg19) VCF-style: chr5-169508983-A-G.
Other names: c.5425A>G, p.Thr1809Ala (LRG_1227t1); short protein forms T1809A.
Identifiers: ClinVar variation 542639 (VCV000542639.14), dbSNP rs146886839, ClinGen allele CA3554873.
Genomic context (GRCh38, chr5:170,081,979, plus strand): 5'-CAACTCTCAGATGGTGACAAGAAGACACTCACACGGAAGAAGGTCAATCAGTTCTTCAAG[A>G]CAATGGTGAGGACATTGAGGGTGGAAGGAAAGGAAGGCATTGGGAGGAGAAAGGGAAGAG-3'
Protein context (NP_004937.1, residues 1799-1819): TRKKVNQFFK[Thr1809Ala]MLASKSAEEG